The following is an entry in ClinVar:

ClinVar aggregate classification (germline): Likely benign (1 of 4 stars; one submission).

gnomAD v4.1: 1 of 1,614,232 alleles (0.000062%); highest among the groups gnomAD compares: Non-Finnish European, 0.000085%; no homozygotes.

Submission:

CeGaT Center for Human Genetics Tuebingen
Classification: Likely benign. Last evaluated: 2026-04-01. Review status: criteria provided, single submitter. Criteria: CeGaT Center For Human Genetics Tuebingen Variant Classification Criteria Version 2. Collection method: clinical testing. Allele origin: germline. Affected: yes. Observed: 1 variant allele.
Comment: SPTBN2: BP4, BP7

NM_006946.4(SPTBN2):c.3816C>T (p.Gly1272=)

Gene: SPTBN2 (spectrin beta, non-erythrocytic 2; minus strand). Cytogenetic location: 11q13.2.
Variant type: single nucleotide variant.
Coding change: c.3816C>T on transcript NM_006946.4 (MANE Select); coding-DNA position 3816, C replaced by T.
Protein change: p.Gly1272=; no amino-acid change (glycine 1272 retained).
Molecular consequence: synonymous variant.
Genome position (GRCh38, 1-based): chr11:66,699,043, G>A on the plus strand (C>T on the coding strand, the complement: SPTBN2 is on the minus strand). VCF-style: chr11-66699043-G-A. GRCh37 (hg19) VCF-style: chr11-66466514-G-A.
Other names: c.3837C>T, p.Gly1279= (NM_001411025.1); c.3816C>T, p.Gly1272= (NM_001437541.1).
Identifiers: ClinVar variation 4874244 (VCV004874244.2).